The following is an entry in ClinVar:

NM_001903.5(CTNNA1):c.100dup (p.Thr34fs)

Gene: CTNNA1 (catenin alpha 1; plus strand). Cytogenetic location: 5q31.2.
Variant type: Duplication.
Coding change: c.100dup on transcript NM_001903.5 (MANE Select); coding-DNA position 100, one base duplicated (A; older notation c.100dupA).
Protein change: p.Thr34fs; shifts the reading frame from threonine 34.
Molecular consequence: frameshift variant. On other transcripts: 5 prime UTR variant (2).
Genome position (GRCh38, 1-based): chr5:138,782,024, A duplicated. VCF-style (leftmost placement, unchanged base first): chr5-138782023-T-TA. GRCh37 (hg19) VCF-style: chr5-138117712-T-TA.
Other names: c.100dup, p.Thr34fs (NM_001290307.3, NM_001323982.2, NM_001323983.1 and 3 more transcripts); c.-14dup (NM_001290309.3); c.-107dup (NM_001290310.3); c.100dupA (NM_001903.2); short protein forms T34fs.
Identifiers: ClinVar variation 1000847 (VCV001000847.8), dbSNP rs1755166497, ClinGen allele CA1586019664.

ClinVar aggregate classification (germline): Pathogenic. Review status: criteria provided, multiple submitters, no conflicts (2 of 4 stars). 2 submissions from 2 submitters: Pathogenic (2). Last evaluated 2026-01-13.

Conditions:
Hereditary cancer-predisposing syndrome. Also called: Tumor predisposition; Hereditary neoplastic syndrome; Hereditary Cancer Syndrome; Neoplastic Syndromes, Hereditary. Identifiers: Orphanet 140162, MedGen C0027672, MeSH D009386, MONDO:0015356.

Submissions (2):

Ambry Genetics
Classification: Pathogenic for Hereditary cancer-predisposing syndrome. Last evaluated: 2026-01-13. Review status: criteria provided, single submitter. Criteria: Ambry Variant Classification Scheme 2023. Collection method: clinical testing. Allele origin: germline.
Comment: The c.100dupA pathogenic mutation, located in coding exon 1 of the CTNNA1 gene, results from a duplication of A at nucleotide position 100, causing a translational frameshift with a predicted alternate stop codon (p.T34Nfs*11). This variant is considered to be rare based on population cohorts in the Genome Aggregation Database (gnomAD). This alteration is expected to result in loss of function by premature protein truncation or nonsense-mediated mRNA decay. As such, this alteration is interpreted as a disease-causing mutation.

Labcorp Genetics (formerly Invitae), Labcorp
Classification: Pathogenic. Last evaluated: 2024-06-04. Review status: criteria provided, single submitter. Criteria: Invitae Variant Classification Sherloc (09022015). Collection method: clinical testing. Allele origin: germline.
Comment: This sequence change creates a premature translational stop signal (p.Thr34Asnfs*11) in the CTNNA1 gene. It is expected to result in an absent or disrupted protein product. Loss-of-function variants in CTNNA1 are known to be pathogenic (PMID: 32051609, 34425242). This variant is not present in population databases (gnomAD no frequency). This variant has not been reported in the literature in individuals affected with CTNNA1-related conditions. ClinVar contains an entry for this variant (Variation ID: 1000847). For these reasons, this variant has been classified as Pathogenic.

Literature cited by the submitters: PubMed 32051609 (cited by Labcorp Genetics (formerly Invitae), Labcorp); PubMed 34425242 (cited by Labcorp Genetics (formerly Invitae), Labcorp).